The following is an entry in ClinVar:

NM_001366385.1(CARD14):c.1356+4C>A

Gene: CARD14 (caspase recruitment domain family member 14; plus strand). Cytogenetic location: 17q25.3.
Variant type: single nucleotide variant.
Coding change: c.1356+4C>A on transcript NM_001366385.1 (MANE Select); 4 bases into the intron after coding-DNA position 1356, C replaced by A.
Molecular consequence: intron variant.
Genome position (GRCh38, 1-based): chr17:80,192,623, C>A. VCF-style: chr17-80192623-C-A. GRCh37 (hg19) VCF-style: chr17-78166422-C-A.
Other names: c.1356+4C>A (NM_024110.4, NM_001257970.1); c.645+4C>A (NM_052819.3).
Identifiers: ClinVar variation 2026802 (VCV002026802.4), dbSNP rs373428751, ClinGen allele CA627721779.

ClinVar aggregate classification (germline): Uncertain significance (1 of 4 stars; one submission).

Conditions:
Psoriasis 2. Identifiers: MedGen C1864497, MONDO:0011269, OMIM 602723.
Pityriasis rubra pilaris (PRP). Also called: Pityriasis rubra pilaris--familial type. Identifiers: Orphanet 2897, MedGen C0032027, MONDO:0100017, OMIM 173200, MONDO:0008251.

gnomAD v4.1: 2 of 1,605,246 alleles (0.00012%); highest among the groups gnomAD compares: East Asian, 0.0022%; no homozygotes.

Submission:

Labcorp Genetics (formerly Invitae), Labcorp
Classification: Uncertain significance for Pityriasis rubra pilaris; Psoriasis 2. Last evaluated: 2022-08-24. Review status: criteria provided, single submitter. Criteria: Invitae Variant Classification Sherloc (09022015). Collection method: clinical testing. Allele origin: germline.
Comment: In summary, the available evidence is currently insufficient to determine the role of this variant in disease. Therefore, it has been classified as a Variant of Uncertain Significance. This sequence change falls in intron 9 of the CARD14 gene. It does not directly change the encoded amino acid sequence of the CARD14 protein. It affects a nucleotide within the consensus splice site. This variant is present in population databases (no rsID available, gnomAD 0.06%). This variant has not been reported in the literature in individuals affected with CARD14-related conditions. Variants that disrupt the consensus splice site are a relatively common cause of aberrant splicing (PMID: 17576681, 9536098). Algorithms developed to predict the effect of sequence changes on RNA splicing suggest that this variant is not likely to affect RNA splicing.

Literature cited by the submitters: PubMed 17576681; PubMed 9536098.